The following is an entry in ClinVar:

ClinVar aggregate classification (germline): Uncertain significance (1 of 4 stars; one submission).

Submission:

CeGaT Center for Human Genetics Tuebingen
Classification: Uncertain significance. Last evaluated: 2025-02-01. Review status: criteria provided, single submitter. Criteria: CeGaT Center For Human Genetics Tuebingen Variant Classification Criteria Version 2. Collection method: clinical testing. Allele origin: germline. Affected: yes. Observed: 1 variant allele.
Comment: EPHB4: PM2

NM_004444.5(EPHB4):c.767C>G (p.Ala256Gly)

Gene: EPHB4 (EPH receptor B4; minus strand). Cytogenetic location: 7q22.1.
Variant type: single nucleotide variant.
Coding change: c.767C>G on transcript NM_004444.5 (MANE Select); coding-DNA position 767, C replaced by G.
Protein change: p.Ala256Gly; replaces alanine 256 with glycine.
Molecular consequence: missense variant.
Genome position (GRCh38, 1-based): chr7:100,822,312, G>C on the plus strand (C>G on the coding strand, the complement: EPHB4 is on the minus strand). VCF-style: chr7-100822312-G-C. GRCh37 (hg19) VCF-style: chr7-100419934-G-C.
Other names: short protein forms A256G.
Identifiers: ClinVar variation 3772588 (VCV003772588.13).